The following is an entry in ClinVar:

NM_000185.4(SERPIND1):c.220dup (p.Glu74fs)

Genes: PI4KA (phosphatidylinositol 4-kinase alpha; minus strand), SERPIND1 (serpin family D member 1; plus strand). Cytogenetic location: 22q11.21.
Variant type: Duplication.
Coding change: c.220dup on transcript NM_000185.4 (MANE Select); coding-DNA position 220, one base duplicated (G; older notation c.220dupG).
Protein change: p.Glu74fs; shifts the reading frame from glutamic acid 74.
Molecular consequence: frameshift variant. On other transcripts: intron variant (3).
Genome position (GRCh38, 1-based): chr22:20,779,532, G duplicated; the last of 5 consecutive G bases (chr22:20,779,528-20,779,532); duplicating any one gives the same sequence. VCF-style (leftmost placement, unchanged base first): chr22-20779527-A-AG. GRCh37 (hg19) VCF-style: chr22-21133815-A-AG.
Other names: c.2262+13665dup (NM_001362863.2); c.2328+13665dup (NM_001362862.2, NM_058004.4); short protein forms E74fs.
Identifiers: ClinVar variation 930228 (VCV000930228.3), dbSNP rs1244079448, ClinGen allele CA638941791.

ClinVar aggregate classification (germline): Uncertain significance (1 of 4 stars; one submission).

Conditions:
Heparin cofactor II deficiency. Also called: Heparin cofactor 2 deficiency; HCF II DEFICIENCY; HCF2 DEFICIENCY; THROMBOPHILIA DUE TO HEPARIN COFACTOR II DEFICIENCY. Identifiers: MedGen C0398626, MONDO:0012876, OMIM 612356.

Submission:

Centre for Mendelian Genomics, University Medical Centre Ljubljana
Classification: Uncertain significance for Heparin cofactor II deficiency. Last evaluated: 2020-03-24. Review status: criteria provided, single submitter. Criteria: ACMG Guidelines, 2015. Collection method: clinical testing. Allele origin: unknown. Affected: yes.
Comment: This variant was classified as: Uncertain significance. The available evidence on this variant's pathogenicity is insufficient or conflicting. The following ACMG criteria were applied in classifying this variant: PM2,PP3.